The following is an entry in ClinVar:

ClinVar aggregate classification (germline): Uncertain significance (1 of 4 stars; one submission).

Submission:

Labcorp Genetics (formerly Invitae), Labcorp
Classification: Uncertain significance. Last evaluated: 2024-02-05. Review status: criteria provided, single submitter. Criteria: Invitae Variant Classification Sherloc (09022015). Collection method: clinical testing. Allele origin: germline.
Comment: This sequence change replaces leucine, which is neutral and non-polar, with proline, which is neutral and non-polar, at codon 929 of the TUBGCP6 protein (p.Leu929Pro). This variant is not present in population databases (gnomAD no frequency). This variant has not been reported in the literature in individuals affected with TUBGCP6-related conditions. An algorithm developed to predict the effect of missense changes on protein structure and function (PolyPhen-2) suggests that this variant is likely to be disruptive. In summary, the available evidence is currently insufficient to determine the role of this variant in disease. Therefore, it has been classified as a Variant of Uncertain Significance.

NM_020461.4(TUBGCP6):c.2786T>C (p.Leu929Pro)

Gene: TUBGCP6 (tubulin gamma complex component 6; minus strand). Cytogenetic location: 22q13.33.
Variant type: single nucleotide variant.
Coding change: c.2786T>C on transcript NM_020461.4 (MANE Select); coding-DNA position 2786, T replaced by C.
Protein change: p.Leu929Pro; replaces leucine 929 with proline.
Molecular consequence: missense variant.
Genome position (GRCh38, 1-based): chr22:50,221,573, A>G on the plus strand (T>C on the coding strand, the complement: TUBGCP6 is on the minus strand). VCF-style: chr22-50221573-A-G. GRCh37 (hg19) VCF-style: chr22-50660002-A-G.
Other names: short protein forms L929P.
Identifiers: ClinVar variation 2878936 (VCV002878936.3), dbSNP rs2064524304, ClinGen allele CA412186807.